The following is an entry in ClinVar:

ClinVar aggregate classification (germline): Uncertain significance (1 of 4 stars; one submission).

Conditions:
Early-infantile DEE. Also called: Early infantile epileptic encephalopathy with suppression bursts; Ohtahara syndrome; Early infantile epileptic encephalopathy. Identifiers: Orphanet 1934, MedGen C0393706, MONDO:0800491.

Allele frequency attached by ClinVar (database versions not stated): TOPMed below 0.00001.

Submission:

Labcorp Genetics (formerly Invitae), Labcorp
Classification: Uncertain significance for Early-infantile DEE. Last evaluated: 2025-11-06. Review status: criteria provided, single submitter. Criteria: Invitae Variant Classification Sherloc (09022015). Collection method: clinical testing. Allele origin: germline.
Comment: This sequence change falls in intron 20 of the SCN1A gene. It does not directly change the encoded amino acid sequence of the SCN1A protein. However, this sequence change falls within a region encompassing a cryptic exon in the SCN1A gene, in which variants have been shown to alter splicing (PMID: 30526861, 34107977). This variant is not present in population databases (gnomAD no frequency). This variant has not been reported in the literature in individuals affected with SCN1A-related conditions. ClinVar contains an entry for this variant (Variation ID: 2996321). Algorithms developed to predict the effect of sequence changes on RNA splicing suggest that this variant is not likely to affect RNA splicing. In summary, the available evidence is currently insufficient to determine the role of this variant in disease. Therefore, it has been classified as a Variant of Uncertain Significance.

Literature cited by the submitters: PubMed 30526861; PubMed 34107977.

NM_001165963.4(SCN1A):c.4002+2537A>T

Genes: SCN1A (sodium voltage-gated channel alpha subunit 1; minus strand), LOC102724058 (uncharacterized LOC102724058; plus strand). Cytogenetic location: 2q24.3.
Variant type: single nucleotide variant.
Coding change: c.4002+2537A>T on transcript NM_001165963.4 (MANE Select); 2537 bases into the intron after coding-DNA position 4002, A replaced by T.
Molecular consequence: intron variant.
Genome position (GRCh38, 1-based): chr2:166,007,182, T>A on the plus strand (A>T on the coding strand, the complement: SCN1A is on the minus strand). VCF-style: chr2-166007182-T-A. GRCh37 (hg19) VCF-style: chr2-166863692-T-A.
Other names: c.3969+2537A>T (NM_001353949.2, NM_001353950.2, NM_001353951.2 and 2 more transcripts); c.3918+2537A>T (NM_001353958.2, NM_001353957.2, NM_001165964.3); c.4002+2537A>T (NM_001202435.3, NM_001353948.2); c.3966+2537A>T (NM_001353955.2, NM_001353954.2); c.3915+2537A>T (NM_001353960.2); c.1560+2537A>T (NM_001353961.2).
Identifiers: ClinVar variation 2996321 (VCV002996321.3), dbSNP rs1014286294, ClinGen allele CA59771539.
Genomic context (GRCh38, chr2:166,007,182, plus strand): 5'-TTTCCCTACTGTGGTGCAATAATAGTACCCTTCCCAATCCCTCCCTCACCCCACTACACA[T>A]AAGTCACAGTGCAAGGATTAAAGGTAGCAAAAGGGGTAATACAGTACCCATAATAAAGGG-3'